The following is an entry in ClinVar:

NM_000138.5(FBN1):c.7685G>C (p.Gly2562Ala)

Gene: FBN1 (fibrillin 1; minus strand). Cytogenetic location: 15q21.1.
Variant type: single nucleotide variant.
Coding change: c.7685G>C on transcript NM_000138.5 (MANE Select); coding-DNA position 7685, G replaced by C.
Protein change: p.Gly2562Ala; replaces glycine 2562 with alanine.
Molecular consequence: missense variant.
Genome position (GRCh38, 1-based): chr15:48,421,572, C>G on the plus strand (G>C on the coding strand, the complement: FBN1 is on the minus strand). VCF-style: chr15-48421572-C-G. GRCh37 (hg19) VCF-style: chr15-48713769-C-G.
Other names: short protein forms G2562A.
Identifiers: ClinVar variation 928216 (VCV000928216.5), dbSNP rs867067196, ClinGen allele CA392324966.

ClinVar aggregate classification (germline): Uncertain significance (1 of 4 stars; one submission).

Conditions:
Familial thoracic aortic aneurysm and aortic dissection (TAAD). Also called: Thoracic aortic aneurysms and dissections. Identifiers: Orphanet 91387, MedGen C4707243, MONDO:0019625.

Submission:

Color Diagnostics, LLC DBA Color Health
Classification: Uncertain significance for Familial thoracic aortic aneurysm and aortic dissection. Last evaluated: 2023-12-05. Review status: criteria provided, single submitter. Criteria: ACMG Guidelines, 2015. Collection method: clinical testing. Allele origin: germline.
Comment: Variant of Uncertain Significance due to insufficient evidence: This missense variant replaces glycine with alanine at codon 2562 of the FBN1 protein. Computational prediction tools and conservation analyses are inconclusive regarding the impact of this variant on the protein function. Computational splicing tools suggest that this variant may not impact RNA splicing. To our knowledge, functional assays have not been performed for this variant nor has this variant been reported in individuals affected with cardiovascular disorders in the literature. This variant has not been identified in the general population by the Genome Aggregation Database (gnomAD). Available evidence is insufficient to determine the role of this variant in disease conclusively.